The following is an entry in ClinVar:

NM_000138.5(FBN1):c.2114-1G>A

Gene: FBN1 (fibrillin 1; minus strand). Cytogenetic location: 15q21.1.
Variant type: single nucleotide variant.
Coding change: c.2114-1G>A on transcript NM_000138.5 (MANE Select); the canonical splice acceptor site of the intron before coding-DNA position 2114, G replaced by A.
Molecular consequence: splice acceptor variant.
Genome position (GRCh38, 1-based): chr15:48,499,039, C>T on the plus strand (G>A on the coding strand, the complement: FBN1 is on the minus strand). VCF-style: chr15-48499039-C-T. GRCh37 (hg19) VCF-style: chr15-48791236-C-T.
Other names: c.2114-1G>A (NM_001406716.1).
Identifiers: ClinVar variation 2419067 (VCV002419067.9), dbSNP rs1555399484, ClinGen allele CA392336483.

ClinVar aggregate classification (germline): Pathogenic. Review status: criteria provided, multiple submitters, no conflicts (2 of 4 stars). 2 submissions from 2 submitters: Pathogenic (2). Last evaluated 2025-06-30.

Conditions:
Marfan syndrome (MFS). Also called: MARFAN SYNDROME, TYPE I; FBN1-Related Marfan Syndrome; Marfan syndrome type 1; Marfan's syndrome; Marfan syndrome, classic. Identifiers: Orphanet 284963, Orphanet 558, MedGen C0024796, MONDO:0007947, OMIM 154700.
Familial thoracic aortic aneurysm and aortic dissection (TAAD). Also called: Thoracic aortic aneurysms and dissections. Identifiers: Orphanet 91387, MedGen C4707243, MONDO:0019625.

Submissions (2):

Dasa
Classification: Pathogenic. Last evaluated: 2025-06-30. Review status: criteria provided, single submitter. Criteria: DASA Assertion Criteria. Collection method: clinical testing. Allele origin: germline.
Comment: NM_000138.5(FBN1):c.2114-1G>A introduces a premature termination codon predicted to result in loss of normal protein function. Loss-of-function is an established mechanism of disease for this gene. This variant results in the same amino acid change as a previously established pathogenic variant. This variant has been reported in individuals with related phenotype (PMID: 33059708). The variant is present at low frequency in population datasets. Based on the available data, this variant is classified as pathogenic.

Labcorp Genetics (formerly Invitae), Labcorp
Classification: Pathogenic for Marfan syndrome; Familial thoracic aortic aneurysm and aortic dissection. Last evaluated: 2022-12-03. Review status: criteria provided, single submitter. Criteria: Invitae Variant Classification Sherloc (09022015). Collection method: clinical testing. Allele origin: germline.
Comment: This sequence change affects an acceptor splice site in intron 17 of the FBN1 gene. It is expected to disrupt RNA splicing. Variants that disrupt the donor or acceptor splice site typically lead to a loss of protein function (PMID: 16199547), and loss-of-function variants in FBN1 are known to be pathogenic (PMID: 17657824, 19293843). This variant is not present in population databases (gnomAD no frequency). Disruption of this splice site has been observed in individuals with clinical features of Marfan syndrome (PMID: 31279624, 33059708; Invitae). Algorithms developed to predict the effect of sequence changes on RNA splicing suggest that this variant may disrupt the consensus splice site. For these reasons, this variant has been classified as Pathogenic.

Literature cited by the submitters: PubMed 33059708 (cited by Dasa and Labcorp Genetics (formerly Invitae), Labcorp); PubMed 16199547 (cited by Labcorp Genetics (formerly Invitae), Labcorp); PubMed 17657824 (cited by Labcorp Genetics (formerly Invitae), Labcorp); PubMed 19293843 (cited by Labcorp Genetics (formerly Invitae), Labcorp); PubMed 31279624 (cited by Labcorp Genetics (formerly Invitae), Labcorp).